The following is an entry in ClinVar:

NM_001375524.1(TRRAP):c.7448A>G (p.Tyr2483Cys)

Gene: TRRAP (transformation/transcription domain associated protein; plus strand). Cytogenetic location: 7q22.1.
Variant type: single nucleotide variant.
Coding change: c.7448A>G on transcript NM_001375524.1 (MANE Select); coding-DNA position 7448, A replaced by G.
Protein change: p.Tyr2483Cys; replaces tyrosine 2483 with cysteine.
Molecular consequence: missense variant.
Genome position (GRCh38, 1-based): chr7:98,967,634, A>G. VCF-style: chr7-98967634-A-G. GRCh37 (hg19) VCF-style: chr7-98565257-A-G.
Other names: c.7427A>G, p.Tyr2476Cys (NM_001244580.2); c.7373A>G, p.Tyr2458Cys (NM_003496.4); short protein forms Y2458C, Y2476C, Y2483C.
Identifiers: ClinVar variation 3027218 (VCV003027218.22), dbSNP rs2484916916, ClinGen allele CA368293263.
Genomic context (GRCh38, chr7:98,967,634, plus strand): 5'-CAAAGTTTTTCGAGGTTTTTGACAACTCCATGAAACGTCGTGTCTACGAGCGCTTGCTCT[A>G]TGTGACCTGTTCGCAGAACTGGGAAGCCATGGGGAACCACTTCTGGATCAAGCAGTGCAT-3'
Protein context (NP_001362453.1, residues 2473-2493): MKRRVYERLL[Tyr2483Cys]VTCSQNWEAM

ClinVar aggregate classification (germline): Uncertain significance (1 of 4 stars; one submission).

Allele frequency attached by ClinVar (database versions not stated): gnomAD exomes below 0.00001.
gnomAD v4.1: 1 of 1,614,022 alleles (0.000062%); highest among the groups gnomAD compares: Non-Finnish European, 0.000085%; no homozygotes.

Submission:

CeGaT Center for Human Genetics Tuebingen
Classification: Uncertain significance. Last evaluated: 2024-02-01. Review status: criteria provided, single submitter. Criteria: CeGaT Center For Human Genetics Tuebingen Variant Classification Criteria Version 2. Collection method: clinical testing. Allele origin: germline. Affected: yes. Observed: 1 variant allele.
Comment: TRRAP: PM2